The following is an entry in ClinVar:

ClinVar aggregate classification (germline): Uncertain significance (1 of 4 stars; one submission).

Conditions:
Macrocephaly, dysmorphic facies, and psychomotor retardation (MDFPMR). Identifiers: Orphanet 457359, MedGen C4310766, MONDO:0014863, OMIM 617011.

Allele frequency attached by ClinVar (database versions not stated): ExAC 0.00001; gnomAD 0.00001; gnomAD exomes 0.00001; TOPMed 0.00001; ESP Exome Variant Server 0.00008.
gnomAD v4.1: 15 of 1,613,876 alleles (0.00093%); highest among the groups gnomAD compares: Admixed American, 0.0017%; no homozygotes.

Submission:

Victorian Clinical Genetics Services, Murdoch Childrens Research Institute
Classification: Uncertain significance for Macrocephaly, dysmorphic facies, and psychomotor retardation. Last evaluated: 2023-07-17. Review status: criteria provided, single submitter. Criteria: ACMG Guidelines, 2015. Collection method: clinical testing. Allele origin: germline. Inheritance: Autosomal recessive inheritance. Affected: yes.
Comment: Based on the classification scheme VCGS_Germline_v1.3.4, this variant is classified as VUS-3B. Following criteria are met: 0102 - Loss of function is a known mechanism of disease in this gene and is associated with macrocephaly, dysmorphic facies, and psychomotor retardation (MIM#617011). (I) 0106 - This gene is associated with autosomal recessive disease. (I) 0200 - Variant is predicted to result in a missense amino acid change from proline to serine. (I) 0251 - This variant is heterozygous. (I) 0304 - Variant is present in gnomAD (v2 and v3) <0.01 for a recessive condition (2 heterozygotes, 0 homozygotes). (SP) 0502 - Missense variant with conflicting in silico predictions and uninformative conservation. (I) 0604 - Variant is not located in an established domain, motif, hotspot or informative constraint region. (I) 0705 - No comparable missense variants have previous evidence for pathogenicity. (I) 0807 - This variant has no previous evidence of pathogenicity. (I) 0905 - No published segregation evidence has been identified for this variant. (I) 1007 - No published functional evidence has been identified for this variant. (I) 1208 - Inheritance information for this variant is not currently available in this individual. (I) Legend: (SP) - Supporting pathogenic, (I) - Information, (SB) - Supporting benign

NM_003922.4(HERC1):c.703C>T (p.Pro235Ser)

Gene: HERC1 (HECT and RLD domain containing E3 ubiquitin protein ligase family member 1; minus strand). Cytogenetic location: 15q22.31.
Variant type: single nucleotide variant.
Coding change: c.703C>T on transcript NM_003922.4 (MANE Select); coding-DNA position 703, C replaced by T.
Protein change: p.Pro235Ser; replaces proline 235 with serine.
Molecular consequence: missense variant.
Genome position (GRCh38, 1-based): chr15:63,774,921, G>A on the plus strand (C>T on the coding strand, the complement: HERC1 is on the minus strand). VCF-style: chr15-63774921-G-A. GRCh37 (hg19) VCF-style: chr15-64067120-G-A.
Other names: short protein forms P235S.
Identifiers: ClinVar variation 3254784 (VCV003254784.1), dbSNP rs372881720.